The following is an entry in ClinVar:

NM_004562.3(PRKN):c.1330G>C (p.Glu444Gln)

Gene: PRKN (parkin RBR E3 ubiquitin protein ligase; minus strand). Cytogenetic location: 6q26.
Variant type: single nucleotide variant.
Coding change: c.1330G>C on transcript NM_004562.3 (MANE Select); coding-DNA position 1330, G replaced by C.
Protein change: p.Glu444Gln; replaces glutamic acid 444 with glutamine.
Molecular consequence: missense variant.
Genome position (GRCh38, 1-based): chr6:161,350,167, C>G on the plus strand (G>C on the coding strand, the complement: PRKN is on the minus strand). VCF-style: chr6-161350167-C-G. GRCh37 (hg19) VCF-style: chr6-161771199-C-G.
Other names: c.1246G>C, p.Glu416Gln (NM_013987.3); c.883G>C, p.Glu295Gln (NM_013988.3); short protein forms E444Q, E416Q, E295Q.
Identifiers: ClinVar variation 468585 (VCV000468585.10), dbSNP rs772592654, ClinGen allele CA4089935.

ClinVar aggregate classification (germline): Uncertain significance (1 of 4 stars; one submission).

Allele frequency attached by ClinVar (database versions not stated): ExAC 0.00001; gnomAD 0.00001; gnomAD exomes 0.00001; TOPMed 0.00002.
gnomAD v4.1: 9 of 1,613,306 alleles (0.00056%); highest among the groups gnomAD compares: Non-Finnish European, 0.00076%; no homozygotes.

Submission:

Labcorp Genetics (formerly Invitae), Labcorp
Classification: Uncertain significance. Last evaluated: 2017-01-15. Review status: criteria provided, single submitter. Criteria: Invitae Variant Classification Sherloc (09022015). Collection method: clinical testing. Allele origin: germline.
Comment: This variant has been reported in the compound heterozygous state in an individual affected with early-onset Parkinson's disease (PMID: 16227559). In summary, this variant is a rare missense change with uncertain impact on protein function. It has been reported in both the population and affected individuals, but the available evidence is currently insufficient to determine its role in disease. Therefore, it has been classified as a Variant of Uncertain Significance. Experimental studies have shown that this variant reduces PARK2 auto-ubiquitination activity in vitro. In contrast, experimental studies in transfected cells found that this variant did not impact PARK2 function (PMID: 25712550, 23727886, 23661642, 23770887, 23661642). This variant is present in population databases (rs772592654, ExAC 0.002%). This sequence change replaces glutamic acid with glutamine at codon 444 of the PARK2 protein (p.Glu444Gln). The glutamic acid residue is moderately conserved and there is a small physicochemical difference between glutamic acid and glutamine.

Literature cited by the submitters: PubMed 16227559; PubMed 25712550; PubMed 23727886; PubMed 23661642; PubMed 23770887.